The following is an entry in ClinVar:

ClinVar aggregate classification (germline): Uncertain significance. Review status: criteria provided, multiple submitters, no conflicts (2 of 4 stars). 3 submissions from 3 submitters: Uncertain significance (3). Last evaluated 2025-03-25.

Conditions:
Developmental and epileptic encephalopathy 94 (DEE94). Also called: CHD2-Related Neurodevelopmental Disorders; Epileptic encephalopathy, childhood-onset. Identifiers: Orphanet 1942, Orphanet 2382, MedGen C3809278, MONDO:0014150, OMIM 615369.

Allele frequency attached by ClinVar (database versions not stated): gnomAD exomes below 0.00001.
gnomAD v4.1: 6 of 1,614,096 alleles (0.00037%); highest among the groups gnomAD compares: East Asian, 0.0022%; no homozygotes.

Submissions (3):

Labcorp Genetics (formerly Invitae), Labcorp
Classification: Uncertain significance for Developmental and epileptic encephalopathy 94. Last evaluated: 2025-03-25. Review status: criteria provided, single submitter. Criteria: Invitae Variant Classification Sherloc (09022015). Collection method: clinical testing. Allele origin: germline.
Comment: This sequence change replaces valine, which is neutral and non-polar, with isoleucine, which is neutral and non-polar, at codon 883 of the CHD2 protein (p.Val883Ile). This variant is present in population databases (no rsID available, gnomAD 0.0009%). This variant has not been reported in the literature in individuals affected with CHD2-related conditions. ClinVar contains an entry for this variant (Variation ID: 2578748). Invitae Evidence Modeling of protein sequence and biophysical properties (such as structural, functional, and spatial information, amino acid conservation, physicochemical variation, residue mobility, and thermodynamic stability) indicates that this missense variant is not expected to disrupt CHD2 protein function with a negative predictive value of 95%. In summary, the available evidence is currently insufficient to determine the role of this variant in disease. Therefore, it has been classified as a Variant of Uncertain Significance.

CeGaT Center for Human Genetics Tuebingen
Classification: Uncertain significance. Last evaluated: 2023-07-01. Review status: criteria provided, single submitter. Criteria: CeGaT Center For Human Genetics Tuebingen Variant Classification Criteria Version 2. Collection method: clinical testing. Allele origin: germline. Affected: yes. Observed: 1 variant allele.
Comment: CHD2: PP2, BS1:Supporting

Neuberg Centre For Genomic Medicine, NCGM
Classification: Uncertain significance for Developmental and epileptic encephalopathy 94. Last evaluated: 2023-05-20. Review status: criteria provided, single submitter. Criteria: ACMG Guidelines, 2015. Collection method: clinical testing. Allele origin: germline. Inheritance: Autosomal dominant inheritance. Affected: yes.
Comment: The missense variant c.2647G>A (p.Val883Ile) in the CHD2 gene has not been reported previously as a pathogenic variant nor as a benign variant, to our knowledge. This variant is reported with the allele frequency (0.0004%) in the gnomAD Exomes. The amino acid Valine at position 883 is changed to an Isoleucine changing protein sequence and it might alter its composition and physico-chemical properties. Computational evidence (Polyphen, SIFT and MutationTaster) predicts conflicting evidence on protein structure and function for this variant. The amino acid change p.Val883Ile in CHD2 is predicted as conserved by GERP++ and PhyloP across 100 vertebrates. For these reasons, this variant has been classified as Uncertain Significance.

NM_001271.4(CHD2):c.2647G>A (p.Val883Ile)

Gene: CHD2 (chromodomain helicase DNA binding protein 2; plus strand). Cytogenetic location: 15q26.1.
Variant type: single nucleotide variant.
Coding change: c.2647G>A on transcript NM_001271.4 (MANE Select); coding-DNA position 2647, G replaced by A.
Protein change: p.Val883Ile; replaces valine 883 with isoleucine.
Molecular consequence: missense variant.
Genome position (GRCh38, 1-based): chr15:92,978,303, G>A. VCF-style: chr15-92978303-G-A. GRCh37 (hg19) VCF-style: chr15-93521533-G-A.
Other names: short protein forms V883I.
Identifiers: ClinVar variation 2578748 (VCV002578748.27), dbSNP rs1289998107, ClinGen allele CA393893791.